The following is an entry in ClinVar:

NM_001080467.3(MYO5B):c.5533C>T (p.Leu1845Phe)

Genes: MYO5B (myosin VB; minus strand), SNHG22 (small nucleolar RNA host gene 22; plus strand). Cytogenetic location: 18q21.1.
Variant type: single nucleotide variant.
Coding change: c.5533C>T on transcript NM_001080467.3 (MANE Select); coding-DNA position 5533, C replaced by T.
Protein change: p.Leu1845Phe; replaces leucine 1845 with phenylalanine.
Molecular consequence: missense variant.
Genome position (GRCh38, 1-based): chr18:49,826,485, G>A on the plus strand (C>T on the coding strand, the complement: MYO5B is on the minus strand). VCF-style: chr18-49826485-G-A. GRCh37 (hg19) VCF-style: chr18-47352855-G-A.
Other names: c.5533C>T (NM_001080467.2); short protein forms L1845F.
Identifiers: ClinVar variation 1393436 (VCV001393436.9), dbSNP rs764637027, ClinGen allele CA8960012.

ClinVar aggregate classification (germline): Uncertain significance. Review status: criteria provided, multiple submitters, no conflicts (2 of 4 stars). 3 submissions from 3 submitters: Uncertain significance (3). Last evaluated 2026-09-11.

Conditions:
MYO5B-related disorder. Also called: MYO5B-related condition.
Inborn genetic diseases. Identifiers: MedGen C0950123, MeSH D030342.

Allele frequency attached by ClinVar (database versions not stated): gnomAD exomes 0.00001 and 0.00004; TOPMed 0.00001; gnomAD 0.00001; ExAC 0.00003.
gnomAD v4.1: 23 of 1,613,848 alleles (0.0014%); highest among the groups gnomAD compares: Admixed American, 0.013%; no homozygotes.

Submissions (3):

PreventionGenetics, part of Exact Sciences
Classification: Uncertain significance for MYO5B-related condition. Last evaluated: 2026-09-11. Review status: criteria provided, single submitter. Criteria: ACMG Guidelines, 2015. Collection method: clinical testing. Allele origin: germline.
Comment: The MYO5B c.5533C>T variant is predicted to result in the amino acid substitution p.Leu1845Phe. To our knowledge, this variant has not been reported in the literature. This variant is reported in 0.023% of alleles in individuals of Latino descent in gnomAD. At this time, the clinical significance of this variant is uncertain due to the absence of conclusive functional and genetic evidence.

Ambry Genetics
Classification: Uncertain significance for Inborn genetic diseases. Last evaluated: 2025-09-02. Review status: criteria provided, single submitter. Criteria: Ambry Variant Classification Scheme 2023. Collection method: clinical testing. Allele origin: germline.

Labcorp Genetics (formerly Invitae), Labcorp
Classification: Uncertain significance. Last evaluated: 2022-07-25. Review status: criteria provided, single submitter. Criteria: Invitae Variant Classification Sherloc (09022015). Collection method: clinical testing. Allele origin: germline.
Comment: This sequence change replaces leucine, which is neutral and non-polar, with phenylalanine, which is neutral and non-polar, at codon 1845 of the MYO5B protein (p.Leu1845Phe). The frequency data for this variant in the population databases is considered unreliable, as metrics indicate poor data quality at this position in the gnomAD database. This variant has not been reported in the literature in individuals affected with MYO5B-related conditions. ClinVar contains an entry for this variant (Variation ID: 1393436). Algorithms developed to predict the effect of missense changes on protein structure and function are either unavailable or do not agree on the potential impact of this missense change (SIFT: "Deleterious"; PolyPhen-2: "Probably Damaging"; Align-GVGD: "Class C0"). In summary, the available evidence is currently insufficient to determine the role of this variant in disease. Therefore, it has been classified as a Variant of Uncertain Significance.